The following is an entry in ClinVar:

NM_014003.4(DHX38):c.890G>A (p.Arg297His)

Gene: DHX38 (DEAH-box helicase 38; plus strand). Cytogenetic location: 16q22.2.
Variant type: single nucleotide variant.
Coding change: c.890G>A on transcript NM_014003.4 (MANE Select); coding-DNA position 890, G replaced by A.
Protein change: p.Arg297His; replaces arginine 297 with histidine.
Molecular consequence: missense variant.
Genome position (GRCh38, 1-based): chr16:72,099,210, G>A. VCF-style: chr16-72099210-G-A. GRCh37 (hg19) VCF-style: chr16-72133109-G-A.
Other names: short protein forms R297H.
Identifiers: ClinVar variation 1898497 (VCV001898497.4), dbSNP rs368516031, ClinGen allele CA396703699.

ClinVar aggregate classification (germline): Uncertain significance. Review status: criteria provided, multiple submitters, no conflicts (2 of 4 stars). 3 submissions from 3 submitters: Uncertain significance (3). Last evaluated 2024-01-17.

gnomAD v4.1: 7 of 1,611,096 alleles (0.00043%); highest among the groups gnomAD compares: East Asian, 0.0022%; no homozygotes.

Submissions (3):

Blueprint Genetics
Classification: Uncertain significance. Last evaluated: 2024-01-17. Review status: criteria provided, single submitter. Criteria: ACMG Guidelines, 2015. Collection method: clinical testing. Allele origin: germline.

Labcorp Genetics (formerly Invitae), Labcorp
Classification: Uncertain significance. Last evaluated: 2022-10-04. Review status: criteria provided, single submitter. Criteria: Invitae Variant Classification Sherloc (09022015). Collection method: clinical testing. Allele origin: germline.
Comment: This sequence change replaces arginine, which is basic and polar, with histidine, which is basic and polar, at codon 297 of the DHX38 protein (p.Arg297His). This variant is present in population databases (no rsID available, gnomAD 0.006%). This variant has not been reported in the literature in individuals affected with DHX38-related conditions. Advanced modeling of protein sequence and biophysical properties (such as structural, functional, and spatial information, amino acid conservation, physicochemical variation, residue mobility, and thermodynamic stability) performed at Invitae indicates that this missense variant is not expected to disrupt DHX38 protein function. In summary, the available evidence is currently insufficient to determine the role of this variant in disease. Therefore, it has been classified as a Variant of Uncertain Significance.

Breakthrough Genomics
Classification: Uncertain significance. Review status: criteria provided, single submitter. Criteria: ACMG Guidelines, 2015. Collection method: not provided. Allele origin: germline. Inheritance: Autosomal recessive inheritance. Affected: yes.